The following is an entry in ClinVar:

NM_006031.6(PCNT):c.6594T>C (p.Gly2198=)

Gene: PCNT (pericentrin; plus strand). Cytogenetic location: 21q22.3.
Variant type: single nucleotide variant.
Coding change: c.6594T>C on transcript NM_006031.6 (MANE Select); coding-DNA position 6594, T replaced by C.
Protein change: p.Gly2198=; no amino-acid change (glycine 2198 retained).
Molecular consequence: synonymous variant.
Genome position (GRCh38, 1-based): chr21:46,416,512, T>C. VCF-style: chr21-46416512-T-C. GRCh37 (hg19) VCF-style: chr21-47836426-T-C.
Other names: p.G2198G:GGT>GGC; c.6240T>C, p.Gly2080= (NM_001315529.2).
Identifiers: ClinVar variation 138625 (VCV000138625.17), dbSNP rs57108405, ClinGen allele CA173055.

ClinVar aggregate classification (germline): Benign. Review status: criteria provided, multiple submitters, no conflicts (2 of 4 stars). 5 submissions from 5 submitters: Benign (5). Last evaluated 2026-02-04.

Conditions:
Microcephalic osteodysplastic primordial dwarfism type II (MOPD2). Also called: Microcephalic osteodysplastic primordial dwarfism with tooth abnormalities; OSTEODYSPLASTIC PRIMORDIAL DWARFISM, TYPE II; MOPD II. Identifiers: Orphanet 2637, MedGen C0432246, MONDO:0008872, OMIM 210720.

Allele frequency attached by ClinVar (database versions not stated): gnomAD exomes 0.02569 and 0.04965; ExAC 0.05758; gnomAD 0.13064 and 0.13713; TOPMed 0.14380; ESP Exome Variant Server 0.14501; 1000 Genomes Project 0.15535; 1000 Genomes Project 30x 0.16287.
gnomAD v4.1: 58,539 of 1,613,746 alleles (3.6%); highest among the groups gnomAD compares: African/African-American, 42%; 7,331 homozygotes.

Submissions (5):

Labcorp Genetics (formerly Invitae), Labcorp
Classification: Benign. Last evaluated: 2026-02-04. Review status: criteria provided, single submitter. Criteria: Invitae Variant Classification Sherloc (09022015). Collection method: clinical testing. Allele origin: germline.

Illumina Laboratory Services, Illumina
Classification: Benign for Microcephalic osteodysplastic primordial dwarfism type II. Last evaluated: 2018-01-13. Review status: criteria provided, single submitter. Criteria: ICSL Variant Classification Criteria 13 December 2019. Collection method: clinical testing. Allele origin: germline.
Comment: This variant was observed in the ICSL laboratory as part of a predisposition screen in an ostensibly healthy population. It had not been previously curated by ICSL or reported in the Human Gene Mutation Database (HGMD: prior to June 1st, 2018), and was therefore a candidate for classification through an automated scoring system. Utilizing variant allele frequency, disease prevalence and penetrance estimates, and inheritance mode, an automated score was calculated to assess if this variant is too frequent to cause the disease. Based on the score and internal cut-off values, a variant classified as benign is not then subjected to further curation. The score for this variant resulted in a classification of benign for this disease.

GeneDx
Classification: Benign. Last evaluated: 2014-02-26. Review status: criteria provided, single submitter. Criteria: GeneDx Variant Classification (06012015). Collection method: clinical testing. Allele origin: germline. Affected: yes.
Comment: This variant is considered likely benign or benign based on one or more of the following criteria: it is a conservative change, it occurs at a poorly conserved position in the protein, it is predicted to be benign by multiple in silico algorithms, and/or has population frequency not consistent with disease.

Genetic Services Laboratory, University of Chicago
Classification: Benign. Last evaluated: 2013-02-08. Review status: criteria provided, single submitter. Criteria: ACMG Guidelines, 2007. Collection method: clinical testing. Allele origin: germline. Inheritance: Autosomal recessive inheritance.

Breakthrough Genomics
Classification: Benign. Review status: criteria provided, single submitter. Criteria: ACMG Guidelines, 2015. Collection method: not provided. Allele origin: germline. Inheritance: Autosomal recessive inheritance. Affected: yes.